The following is an entry in ClinVar:

ClinVar aggregate classification (germline): Uncertain significance (1 of 4 stars; one submission).

Submission:

Ambry Genetics
Classification: Uncertain significance. Last evaluated: 2025-11-11. Review status: criteria provided, single submitter. Criteria: Ambry Variant Classification Scheme 2023. Collection method: clinical testing. Allele origin: germline.
Comment: The p.D78Y variant (also known as c.232G>T), located in coding exon 4 of the RPS20 gene, results from a G to T substitution at nucleotide position 232. The aspartic acid at codon 78 is replaced by tyrosine, an amino acid with highly dissimilar properties. This amino acid position is conserved. In addition, this alteration is predicted to be deleterious by in silico analysis. Based on the available evidence, the clinical significance of this variant remains unclear.

NM_001023.4(RPS20):c.232G>T (p.Asp78Tyr)

Gene: RPS20 (ribosomal protein S20; minus strand). Cytogenetic location: 8q12.1.
Variant type: single nucleotide variant.
Coding change: c.232G>T on transcript NM_001023.4 (MANE Select); coding-DNA position 232, G replaced by T.
Protein change: p.Asp78Tyr; replaces aspartic acid 78 with tyrosine.
Molecular consequence: missense variant.
Genome position (GRCh38, 1-based): chr8:56,073,218, C>A on the plus strand (G>T on the coding strand, the complement: RPS20 is on the minus strand). VCF-style: chr8-56073218-C-A. GRCh37 (hg19) VCF-style: chr8-56985777-C-A.
Other names: c.232G>T, p.Asp78Tyr (NM_001146227.3); short protein forms D78Y.
Identifiers: ClinVar variation 4579503 (VCV004579503.1).
Genomic context (GRCh38, chr8:56,073,218, plus strand): 5'-CAATCTCAGAAGGACTGTGCAAGTCAATGAGTCGCTTGTGAATTCTCATCTGGAAACGAT[C>A]CCACGTCTTAGAACCTTCACCACAAGGAGTTTTTCTTGTAGTGATTCTCAAAGTCTGTAA-3'
Protein context (NP_001014.1, residues 68-88): TPCGEGSKTW[Asp78Tyr]RFQMRIHKRL